The following is an entry in ClinVar:

ClinVar aggregate classification (germline): Uncertain significance (1 of 4 stars; one submission).

Allele frequency attached by ClinVar (database versions not stated): gnomAD exomes below 0.00001; TOPMed below 0.00001; ExAC 0.00001.
gnomAD v4.1: 3 of 1,573,720 alleles (0.00019%); highest among the groups gnomAD compares: Non-Finnish European, 0.00026%; no homozygotes.

Submission:

Laboratory for Molecular Medicine, Mass General Brigham Personalized Medicine
Classification: Uncertain significance. Last evaluated: 2019-04-04. Review status: criteria provided, single submitter. Criteria: ACMG Guidelines, 2015. Collection method: clinical testing. Allele origin: germline.
Comment: The c.26-10G>A variant in MYBPC3 has not been previously reported in the literature nor identified by our laboratory. This variant is located in the 3' splice region of intron 1 in MYBPC3 and pathogenic splice variants in MYBPC3 have been reported in individuals with HCM. Computational tools suggest a possible impact to splicing, though this information is not predictive enough to determine pathogenicity. Additional information is needed to determine the clinical significance of this variant.

Literature cited by the submitters: PubMed 28679633.

NM_000256.3(MYBPC3):c.26-10G>A

Gene: MYBPC3 (myosin binding protein C3; minus strand). Cytogenetic location: 11p11.2.
Variant type: single nucleotide variant.
Coding change: c.26-10G>A on transcript NM_000256.3 (MANE Select); 10 bases into the intron before coding-DNA position 26, G replaced by A.
Molecular consequence: intron variant.
Genome position (GRCh38, 1-based): chr11:47,351,515, C>T on the plus strand (G>A on the coding strand, the complement: MYBPC3 is on the minus strand). VCF-style: chr11-47351515-C-T. GRCh37 (hg19) VCF-style: chr11-47373066-C-T.
Identifiers: ClinVar variation 42643 (VCV000042643.5), dbSNP rs397515978, ClinGen allele CA012722.